The following is an entry in ClinVar:

NM_025099.6(CTC1):c.3388-1G>A

Gene: CTC1 (CST telomere replication complex component 1; minus strand). Cytogenetic location: 17p13.1.
Variant type: single nucleotide variant.
Coding change: c.3388-1G>A on transcript NM_025099.6 (MANE Select); the canonical splice acceptor site of the intron before coding-DNA position 3388, G replaced by A.
Molecular consequence: splice acceptor variant.
Genome position (GRCh38, 1-based): chr17:8,228,630, C>T on the plus strand (G>A on the coding strand, the complement: CTC1 is on the minus strand). VCF-style: chr17-8228630-C-T. GRCh37 (hg19) VCF-style: chr17-8131948-C-T.
Other names: c.3157-1G>A (NM_001411067.1).
Identifiers: ClinVar variation 4748122 (VCV004748122.1).

ClinVar aggregate classification (germline): Likely pathogenic (1 of 4 stars; one submission).

Conditions:
Dyskeratosis congenita. Identifiers: Orphanet 1775, MedGen C0265965, MONDO:0015780.

gnomAD v4.1: 1 of 1,614,126 alleles (0.000062%); highest among the groups gnomAD compares: Admixed American, 0.0017%; no homozygotes.

Submission:

Labcorp Genetics (formerly Invitae), Labcorp
Classification: Likely pathogenic for Dyskeratosis congenita. Last evaluated: 2025-10-15. Review status: criteria provided, single submitter. Criteria: Invitae Variant Classification Sherloc (09022015). Collection method: clinical testing. Allele origin: germline.
Comment: This sequence change affects an acceptor splice site in intron 21 of the CTC1 gene. It is expected to disrupt RNA splicing. Variants that disrupt the donor or acceptor splice site typically lead to a loss of protein function (PMID: 16199547), and loss-of-function variants in CTC1 are known to be pathogenic (PMID: 22267198, 22387016). This variant is not present in population databases (gnomAD no frequency). This variant has not been reported in the literature in individuals affected with CTC1-related conditions. Algorithms developed to predict the effect of sequence changes on RNA splicing suggest that this variant may disrupt the consensus splice site. In summary, the currently available evidence indicates that the variant is pathogenic, but additional data are needed to prove that conclusively. Therefore, this variant has been classified as Likely Pathogenic.

Literature cited by the submitters: PubMed 16199547; PubMed 22267198; PubMed 22387016.